The following is an entry in ClinVar:

NM_213655.5(WNK1):c.3473C>T (p.Ala1158Val)

Gene: WNK1 (WNK lysine deficient protein kinase 1; plus strand). Cytogenetic location: 12p13.33.
Variant type: single nucleotide variant.
Coding change: c.3473C>T on transcript NM_213655.5 (MANE Plus Clinical); coding-DNA position 3473, C replaced by T.
Protein change: p.Ala1158Val; replaces alanine 1158 with valine.
Molecular consequence: missense variant. On other transcripts: intron variant (2).
Genome position (GRCh38, 1-based): chr12:868,944, C>T. VCF-style: chr12-868944-C-T. GRCh37 (hg19) VCF-style: chr12-978110-C-T.
Other names: c.3218C>T, p.Ala1073Val (NM_001184985.2); c.2140-2321C>T (NM_018979.4, NM_014823.3); short protein forms A1158V, A1073V.
Identifiers: ClinVar variation 1372491 (VCV001372491.6), dbSNP rs991100700, ClinGen allele CA231499905.
Genomic context (GRCh38, chr12:868,944, plus strand): 5'-CCTCACAAATCACTTCTTCAGACCCCAGTGATTTTCAGTCACCTCCCCCTACAGGGGGAG[C>T]AGCTGCACCTTTTGGCTCTGACGTCTCAATGCCCTTTATCCATCTGCCTCAGACAGTGTT-3'
Protein context (NP_998820.3, residues 1148-1168): DFQSPPPTGG[Ala1158Val]AAPFGSDVSM

ClinVar aggregate classification (germline): Uncertain significance (1 of 4 stars; one submission).

Conditions:
Neuropathy, hereditary sensory and autonomic, type 2A (HSAN2A). Also called: ACROOSTEOLYSIS, GIACCAI TYPE; ACROOSTEOLYSIS, NEUROGENIC; MORVAN DISEASE; NEUROPATHY, CONGENITAL SENSORY; NEUROPATHY, HEREDITARY SENSORY RADICULAR, AUTOSOMAL RECESSIVE; NEUROPATHY, HEREDITARY SENSORY, TYPE IIA. Identifiers: Orphanet 970, MedGen C2752089, MONDO:0024309, OMIM 201300.
Pseudohypoaldosteronism type 2C (PHA2C). Also called: Pseudohypoaldosteronism Type IIC. Identifiers: Orphanet 757, Orphanet 88940, MedGen C1840391, MONDO:0013778, OMIM 614492.

Allele frequency attached by ClinVar (database versions not stated): TOPMed 0.00001; gnomAD 0.00003.

Submission:

Labcorp Genetics (formerly Invitae), Labcorp
Classification: Uncertain significance for Neuropathy, hereditary sensory and autonomic, type 2A; Pseudohypoaldosteronism type 2C. Last evaluated: 2021-06-07. Review status: criteria provided, single submitter. Criteria: Invitae Variant Classification Sherloc (09022015). Collection method: clinical testing. Allele origin: germline.
Comment: In summary, the available evidence is currently insufficient to determine the role of this variant in disease. Therefore, it has been classified as a Variant of Uncertain Significance. Advanced modeling of protein sequence and biophysical properties (such as structural, functional, and spatial information, amino acid conservation, physicochemical variation, residue mobility, and thermodynamic stability) performed at Invitae indicates that this missense variant is not expected to disrupt WNK1 protein function. This variant has not been reported in the literature in individuals with WNK1-related conditions. This variant is not present in population databases (ExAC no frequency). This sequence change replaces alanine with valine at codon 1158 of the WNK1 protein (p.Ala1158Val). The alanine residue is highly conserved and there is a small physicochemical difference between alanine and valine.